The following is an entry in ClinVar:

NM_001814.6(CTSC):c.806C>T (p.Ala269Val)

Gene: CTSC (cathepsin C; minus strand). Cytogenetic location: 11q14.2.
Variant type: single nucleotide variant.
Coding change: c.806C>T on transcript NM_001814.6 (MANE Select); coding-DNA position 806, C replaced by T.
Protein change: p.Ala269Val; replaces alanine 269 with valine.
Molecular consequence: missense variant.
Genome position (GRCh38, 1-based): chr11:88,296,216, G>A on the plus strand (C>T on the coding strand, the complement: CTSC is on the minus strand). VCF-style: chr11-88296216-G-A. GRCh37 (hg19) VCF-style: chr11-88029384-G-A.
Other names: c.806C>T (NM_001814.4); short protein forms A269V.
Identifiers: ClinVar variation 1381855 (VCV001381855.4), dbSNP rs755680546, ClinGen allele CA6219840.
Genomic context (GRCh38, chr11:88,296,216, plus strand): 5'-ACAACCTCCTGAGGGCTTAGGATTGGGGTCTGAGAATTGTTGGTTAGTATACGGATTCTC[G>A]CTTCTAGCATACCCATAGAAGCAAATGAGTAGCAGCTGCCACAGGATGCTGGCGATGAAA-3'
Protein context (NP_001805.4, residues 259-279): YSFASMGMLE[Ala269Val]RIRILTNNSQ

ClinVar aggregate classification (germline): Uncertain significance. Review status: criteria provided, multiple submitters, no conflicts (2 of 4 stars). 2 submissions from 2 submitters: Uncertain significance (2). Last evaluated 2024-12-10.

Conditions:
Inborn genetic diseases. Identifiers: MedGen C0950123, MeSH D030342.
Papillon-Lefèvre syndrome (PALS). Also called: KERATOSIS PALMOPLANTARIS WITH PERIODONTOPATHIA; Papillon-Lefevre Disease. Identifiers: Orphanet 678, MedGen C0030360, MONDO:0009490, OMIM 245000.
Periodontitis, aggressive. Identifiers: MedGen C0031106, MONDO:0980757.
Haim-Munk syndrome (HMS). Also called: COCHIN JEWISH DISORDER; KERATOSIS PALMOPLANTARIS WITH PERIODONTOPATHIA AND ONYCHOGRYPOSIS. Identifiers: Orphanet 2342, MedGen C1855627, MONDO:0009491, OMIM 245010.

Allele frequency attached by ClinVar (database versions not stated): ExAC 0.00002; gnomAD 0.00001; gnomAD exomes 0.00001; TOPMed 0.00001.
gnomAD v4.1: 19 of 1,613,804 alleles (0.0012%); highest among the groups gnomAD compares: Middle Eastern, 0.033%; no homozygotes.

Submissions (2):

Ambry Genetics
Classification: Uncertain significance for Inborn genetic diseases. Last evaluated: 2024-12-10. Review status: criteria provided, single submitter. Criteria: Ambry Variant Classification Scheme 2023. Collection method: clinical testing. Allele origin: germline.

Labcorp Genetics (formerly Invitae), Labcorp
Classification: Uncertain significance for Haim-Munk syndrome; Periodontitis, aggressive; Papillon-Lefèvre syndrome. Last evaluated: 2022-08-17. Review status: criteria provided, single submitter. Criteria: Invitae Variant Classification Sherloc (09022015). Collection method: clinical testing. Allele origin: germline.
Comment: This sequence change replaces alanine, which is neutral and non-polar, with valine, which is neutral and non-polar, at codon 269 of the CTSC protein (p.Ala269Val). This variant is present in population databases (rs755680546, gnomAD 0.007%). This variant has not been reported in the literature in individuals affected with CTSC-related conditions. ClinVar contains an entry for this variant (Variation ID: 1381855). Algorithms developed to predict the effect of missense changes on protein structure and function are either unavailable or do not agree on the potential impact of this missense change (SIFT: "Not Available"; PolyPhen-2: "Probably Damaging"; Align-GVGD: "Not Available"). In summary, the available evidence is currently insufficient to determine the role of this variant in disease. Therefore, it has been classified as a Variant of Uncertain Significance.